The following is an entry in ClinVar:

ClinVar aggregate classification (germline): Uncertain significance (1 of 4 stars; one submission).

gnomAD v4.1: 3 of 1,613,182 alleles (0.00019%); highest among the groups gnomAD compares: Non-Finnish European, 0.00025%; no homozygotes.

Submission:

Labcorp Genetics (formerly Invitae), Labcorp
Classification: Uncertain significance. Last evaluated: 2024-07-08. Review status: criteria provided, single submitter. Criteria: Invitae Variant Classification Sherloc (09022015). Collection method: clinical testing. Allele origin: germline.
Comment: This sequence change replaces valine, which is neutral and non-polar, with alanine, which is neutral and non-polar, at codon 536 of the POLR3B protein (p.Val536Ala). This variant is not present in population databases (gnomAD no frequency). This variant has not been reported in the literature in individuals affected with POLR3B-related conditions. Advanced modeling of protein sequence and biophysical properties (such as structural, functional, and spatial information, amino acid conservation, physicochemical variation, residue mobility, and thermodynamic stability) performed at Invitae indicates that this missense variant is not expected to disrupt POLR3B protein function with a negative predictive value of 80%. In summary, the available evidence is currently insufficient to determine the role of this variant in disease. Therefore, it has been classified as a Variant of Uncertain Significance.

NM_018082.6(POLR3B):c.1607T>C (p.Val536Ala)

Gene: POLR3B (RNA polymerase III subunit B; plus strand). Cytogenetic location: 12q23.3.
Variant type: single nucleotide variant.
Coding change: c.1607T>C on transcript NM_018082.6 (MANE Select); coding-DNA position 1607, T replaced by C.
Protein change: p.Val536Ala; replaces valine 536 with alanine.
Molecular consequence: missense variant.
Genome position (GRCh38, 1-based): chr12:106,432,460, T>C. VCF-style: chr12-106432460-T-C. GRCh37 (hg19) VCF-style: chr12-106826238-T-C.
Other names: c.1433T>C, p.Val478Ala (NM_001160708.2); short protein forms V536A, V478A.
Identifiers: ClinVar variation 3674328 (VCV003674328.2).